The following is an entry in ClinVar:

ClinVar aggregate classification (germline): Pathogenic/Likely pathogenic. Review status: criteria provided, multiple submitters, no conflicts (2 of 4 stars). 2 submissions from 2 submitters: Pathogenic (1); Likely pathogenic (1). Last evaluated 2026-07-16.

Conditions:
Polycystic kidney disease 2 (PKD2). Also called: POLYCYSTIC KIDNEY DISEASE 2 WITH OR WITHOUT POLYCYSTIC LIVER DISEASE; Polycystic Kidney Disease 2, Autosomal Dominant; POLYCYSTIC KIDNEY DISEASE, ADULT, TYPE II. Identifiers: MedGen C2751306, MONDO:0013131, OMIM 613095.

Submissions (2):

Servicio Canario de Salud, Hospital Universitario Nuestra Sra. de Candelaria
Classification: Likely pathogenic for Polycystic kidney disease 2. Last evaluated: 2026-07-16. Review status: criteria provided, single submitter. Criteria: ACMG Guidelines, 2015. Collection method: clinical testing. Allele origin: germline. Inheritance: Autosomal dominant inheritance. Affected: no.
Comment: It is described in the clinical database ClinVar (VCV003591399.1) as a pathogenic variant associated with polycystic kidney disease type 2. Loss-of-function variants in PKD2 are known to be pathogenic. This variant was absent from large population studies (gnomAD no frequency). In summary, the available evidence for c.1753C>T p.(Gln585Ter) PKD2 variant meets our criteria to be classified as Likely Pathogenic based upon its absence from controls and the clinical correlation in this family´s phenotype.

Fulgent Genetics
Classification: Pathogenic for Polycystic kidney disease 2. Last evaluated: 2024-04-26. Review status: criteria provided, single submitter. Criteria: ACMG Guidelines, 2015. Collection method: clinical testing. Allele origin: germline.

NM_000297.4(PKD2):c.1753C>T (p.Gln585Ter)

Gene: PKD2 (polycystin 2, transient receptor potential cation channel; plus strand). Cytogenetic location: 4q22.1.
Variant type: single nucleotide variant.
Coding change: c.1753C>T on transcript NM_000297.4 (MANE Select); coding-DNA position 1753, C replaced by T.
Protein change: p.Gln585Ter; replaces glutamine 585 with a stop codon.
Molecular consequence: nonsense. On other transcripts: non-coding transcript variant (1).
Genome position (GRCh38, 1-based): chr4:88,056,122, C>T. VCF-style: chr4-88056122-C-T. GRCh37 (hg19) VCF-style: chr4-88977274-C-T.
Other names: short protein forms Q585*.
Identifiers: ClinVar variation 3591399 (VCV003591399.2).